The following is an entry in ClinVar:

NM_001005361.3(DNM2):c.20A>G (p.Glu7Gly)

Genes: DNM2 (dynamin 2; plus strand), LOC130063529 (ATAC-STARR-seq lymphoblastoid silent region 10090; plus strand). Cytogenetic location: 19p13.2.
Variant type: single nucleotide variant.
Coding change: c.20A>G on transcript NM_001005361.3 (MANE Select); coding-DNA position 20, A replaced by G.
Protein change: p.Glu7Gly; replaces glutamic acid 7 with glycine.
Molecular consequence: missense variant.
Genome position (GRCh38, 1-based): chr19:10,718,262, A>G. VCF-style: chr19-10718262-A-G. GRCh37 (hg19) VCF-style: chr19-10828938-A-G.
Other names: c.20A>G (NM_001005360.2); c.20A>G, p.Glu7Gly (NM_001005360.3, NM_001005362.3, NM_001190716.2 and 1 more transcripts); short protein forms E7G.
Identifiers: ClinVar variation 1054113 (VCV001054113.9), dbSNP rs1435133623, ClinGen allele CA404046400.
Genomic context (GRCh38, chr19:10,718,262, plus strand): 5'-GCGAGGAGCGCAGGGCGCTCGGGCCGGGGGCCGCCGGCGCCATGGGCAACCGCGGGATGG[A>G]AGAGCTGATCCCGCTGGTCAACAAACTGCAGGACGCCTTCAGCTCCATCGGCCAGAGCTG-3'
Protein context (NP_001005361.1, residues 1-17): MGNRGM[Glu7Gly]ELIPLVNKLQ

ClinVar aggregate classification (germline): Uncertain significance. Review status: criteria provided, multiple submitters, no conflicts (2 of 4 stars). 2 submissions from 2 submitters: Uncertain significance (2). Last evaluated 2025-03-21.

Conditions:
Charcot-Marie-Tooth disease dominant intermediate B (CMTDIB). Also called: CHARCOT-MARIE-TOOTH NEUROPATHY, DOMINANT INTERMEDIATE B; Charcot-Marie-Tooth disease dominant intermediate 1; CMT DI1; Charcot-Marie-Tooth disease dominant intermediate I. Identifiers: Orphanet 100044, Orphanet 228179, MedGen C1847902, MONDO:0011674, OMIM 606482.

Allele frequency attached by ClinVar (database versions not stated): gnomAD exomes below 0.00001; TOPMed below 0.00001; gnomAD 0.00001.
gnomAD v4.1: 2 of 1,487,918 alleles (0.00013%); highest among the groups gnomAD compares: Non-Finnish European, 0.00018%; no homozygotes.

Submissions (2):

Labcorp Genetics (formerly Invitae), Labcorp
Classification: Uncertain significance for Charcot-Marie-Tooth disease dominant intermediate B. Last evaluated: 2025-03-21. Review status: criteria provided, single submitter. Criteria: Invitae Variant Classification Sherloc (09022015). Collection method: clinical testing. Allele origin: germline.
Comment: This sequence change replaces glutamic acid, which is acidic and polar, with glycine, which is neutral and non-polar, at codon 7 of the DNM2 protein (p.Glu7Gly). This variant is not present in population databases (gnomAD no frequency). This variant has not been reported in the literature in individuals affected with DNM2-related conditions. ClinVar contains an entry for this variant (Variation ID: 1054113). Invitae Evidence Modeling of protein sequence and biophysical properties (such as structural, functional, and spatial information, amino acid conservation, physicochemical variation, residue mobility, and thermodynamic stability) has been performed for this missense variant. However, the output from this modeling did not meet the statistical confidence thresholds required to predict the impact of this variant on DNM2 protein function. In summary, the available evidence is currently insufficient to determine the role of this variant in disease. Therefore, it has been classified as a Variant of Uncertain Significance.

Revvity Omics, Revvity
Classification: Uncertain significance. Last evaluated: 2019-06-25. Review status: criteria provided, single submitter. Criteria: ACMG Guidelines, 2015. Collection method: clinical testing. Allele origin: germline.